The following is an entry in ClinVar:

GRCh38/hg38 2q37.3(chr2:241582713-242065208)x1

Genes: ATG4B (autophagy related 4B cysteine peptidase; plus strand), D2HGDH (D-2-hydroxyglutarate dehydrogenase; plus strand), DTYMK (deoxythymidylate kinase; minus strand), FAM240C (family with sequence similarity 240 member C; minus strand), GAL3ST2 (galactose-3-O-sulfotransferase 2; plus strand) and 26 more. Cytogenetic location: 2q37.3.
Variant type: copy number loss.
Change: copy number 1 (one copy instead of two) of chr2:241,582,713-242,065,208 (482.5 kb, GRCh38 coordinates, 1-based), cytogenetic band 2q37.3.
Identifiers: ClinVar variation 57280 (VCV000057280.1).

ClinVar aggregate classification (germline): Uncertain significance (1 of 4 stars; one submission).

Submission:

ISCA site 4
Classification: Uncertain significance. Last evaluated: 2011-08-12. Review status: criteria provided, single submitter. Criteria: Kaminsky et al. (Genet Med. 2011). Collection method: clinical testing. Allele origin: de novo. Affected: yes. Observed: 1 variant allele.
Comment: Copy number variation identified through the course of routine clinical cytogenomic testing in postnatal populations. Clinical assertions have been curated as described in Kaminsky et al. 2011.